The following is an entry in ClinVar:

ClinVar aggregate classification (germline): Uncertain significance (1 of 4 stars; one submission).

Conditions:
Angelman syndrome (AS). Also called: HAPPY PUPPET SYNDROME. Identifiers: Orphanet 72, MedGen C0162635, MONDO:0007113, OMIM 105830. Disease mechanism: loss of function. Inheritance: imprinting disorder, AS is caused by disruption of maternally imprinted UBE3A located within the 15q11.2-q13 Angelman syndrome/Prader-Willi syndrome (AS/PWS) region..

Allele frequency attached by ClinVar (database versions not stated): gnomAD exomes below 0.00001; gnomAD 0.00001.
gnomAD v4.1: 3 of 1,608,126 alleles (0.00019%); highest among the groups gnomAD compares: Non-Finnish European, 0.00025%; no homozygotes.

Submission:

Labcorp Genetics (formerly Invitae), Labcorp
Classification: Uncertain significance for Angelman syndrome. Last evaluated: 2024-10-24. Review status: criteria provided, single submitter. Criteria: Invitae Variant Classification Sherloc (09022015). Collection method: clinical testing. Allele origin: germline.
Comment: This sequence change replaces glutamic acid, which is acidic and polar, with glutamine, which is neutral and polar, at codon 833 of the UBE3A protein (p.Glu833Gln). This variant is present in population databases (no rsID available, gnomAD 0.007%). This variant has not been reported in the literature in individuals affected with UBE3A-related conditions. Invitae Evidence Modeling of protein sequence and biophysical properties (such as structural, functional, and spatial information, amino acid conservation, physicochemical variation, residue mobility, and thermodynamic stability) has been performed for this missense variant. However, the output from this modeling did not meet the statistical confidence thresholds required to predict the impact of this variant on UBE3A protein function. In summary, the available evidence is currently insufficient to determine the role of this variant in disease. Therefore, it has been classified as a Variant of Uncertain Significance.

NM_130839.5(UBE3A):c.2557G>C (p.Glu853Gln)

Genes: SNHG14 (small nucleolar RNA host gene 14; plus strand), UBE3A (ubiquitin protein ligase E3A; minus strand). Cytogenetic location: 15q11.2.
Variant type: single nucleotide variant.
Coding change: c.2557G>C on transcript NM_130839.5 (MANE Select); coding-DNA position 2557, G replaced by C.
Protein change: p.Glu853Gln; replaces glutamic acid 853 with glutamine.
Molecular consequence: missense variant. On other transcripts: non-coding transcript variant (1).
Genome position (GRCh38, 1-based): chr15:25,339,199, C>G on the plus strand (G>C on the coding strand, the complement: UBE3A is on the minus strand). VCF-style: chr15-25339199-C-G. GRCh37 (hg19) VCF-style: chr15-25584346-C-G.
Other names: c.2566G>C, p.Glu856Gln (NM_000462.5); c.2557G>C, p.Glu853Gln (NM_001354505.1, NM_001354538.2); c.2497G>C, p.Glu833Gln (NM_001354506.2, NM_001354507.2, NM_001354508.2 and 14 more transcripts); c.2401G>C, p.Glu801Gln (NM_001354545.2); c.2380G>C, p.Glu794Gln (NM_001354546.2); c.2341G>C, p.Glu781Gln (NM_001354547.2, NM_001354548.2); c.2332G>C, p.Glu778Gln (NM_001354549.2); c.1306G>C, p.Glu436Gln (NM_001354550.2); and 1 more; short protein forms E794Q, E853Q, E781Q, E856Q, E416Q, E801Q, E436Q, E778Q.
Identifiers: ClinVar variation 2785538 (VCV002785538.3), dbSNP rs1340467338, ClinGen allele CA391350607.